The following is an entry in ClinVar:

ClinVar aggregate classification (germline): Pathogenic (1 of 4 stars; one submission).

Conditions:
Exudative vitreoretinopathy 1 (EVR1). Also called: CRISWICK-SCHEPENS SYNDROME; FEVR, AUTOSOMAL DOMINANT; Familial exudative vitreoretinopathy, autosomal dominant. Identifiers: Orphanet 891, Orphanet 90050, MedGen C1851402, MONDO:0007589, OMIM 133780.

Submission:

Victorian Clinical Genetics Services, Murdoch Childrens Research Institute
Classification: Pathogenic for Exudative vitreoretinopathy 1. Last evaluated: 2022-02-02. Review status: criteria provided, single submitter. Criteria: ACMG Guidelines, 2015. Collection method: clinical testing. Allele origin: germline. Inheritance: Autosomal dominant inheritance.
Comment: Based on the classification scheme VCGS_Germline_v1.3.4, this variant is classified as Pathogenic. Following criteria are met: 0102 - Loss of function is a known mechanism of disease in this gene and is associated with exudative vitreoretinopathy 1 and retinopathy of prematurity (MIM#133780). (I) 0107 - This gene is associated with autosomal dominant disease. (I) 0115 - Variants in this gene are known to have variable expressivity. There is a large degree of intrafamilial variability, and asymptomatic heterozygous individuals have been reported (OMIM, PMID: 19324841). (I) 0204 - Variant is predicted to result in a truncated protein (premature termination codon is NOT located at least 54 nucleotides upstream of the final exon-exon junction) with at least 1/3 of the protein sequence affected. (SP) 0251 - This variant is heterozygous. (I) 0301 - Variant is absent from gnomAD (both v2 and v3). (SP) 0600 - Variant is predicted to disrupt part of the Fz domain and the entire Frizzled/Smoothened family membrane region (DECIPHER). (I) 0701 - Other premature termination variants comparable to the one identified in this case have very strong previous evidence for pathogenicity. The p.(Phe82Alafs*54) variant and many premature termination variants located downstream have been reported in individuals with familial exudative vitreoretinopathy or as likely pathogenic/pathogenic (PMIDs: 17093393, 31827910; ClinVar). (SP) 0807 - This variant has no previous evidence of pathogenicity. (I) 0905 - No published segregation evidence has been identified for this variant. (I) 1007 - No published functional evidence has been identified for this variant. (I) Legend: (SP) - Supporting pathogenic, (I) - Information, (SB) - Supporting benign

Literature cited by the submitters: PubMed 17093393; PubMed 19324841; PubMed 31827910.

NM_012193.4(FZD4):c.244_245delinsG (p.Phe82fs)

Gene: FZD4 (frizzled class receptor 4; minus strand). Cytogenetic location: 11q14.2.
Variant type: Indel.
Coding change: c.244_245delinsG on transcript NM_012193.4 (MANE Select); coding-DNA positions 244 to 245, TT replaced by G.
Protein change: p.Phe82fs; shifts the reading frame from phenylalanine 82.
Molecular consequence: frameshift variant.
Genome position (GRCh38, 1-based): chr11:86,954,841-86,954,842, AA replaced by C on the plus strand (TT replaced by G on the coding strand, the reverse complement: FZD4 is on the minus strand). VCF-style: chr11-86954841-AA-C. GRCh37 (hg19) VCF-style: chr11-86665883-AA-C.
Other names: short protein forms F82fs.
Identifiers: ClinVar variation 1805086 (VCV001805086.1), dbSNP rs2495874029, ClinGen allele CA2573050773.
Genomic context (GRCh38, chr11:86,954,841, plus strand): 5'-GTGGGGGTGGGGGCGCCCACCTGCAGCTGGCTGGAGCAGCCGTACTGGATGAGCGGTGTG[AA>C]AGTTGTCAGCTGCAGCTCGGCGTCCGTCTGCAGCTCGTGCCCAACCAGGTTGGGCATCTT-3'